The following is an entry in ClinVar:

NM_001267550.2(TTN):c.101997G>A (p.Trp33999Ter)

Genes: TTN (titin; minus strand), TTN-AS1 (TTN antisense RNA 1; plus strand). Cytogenetic location: 2q31.2.
Variant type: single nucleotide variant.
Coding change: c.101997G>A on transcript NM_001267550.2 (MANE Select); coding-DNA position 101997, G replaced by A.
Protein change: p.Trp33999Ter; replaces tryptophan 33999 with a stop codon.
Molecular consequence: nonsense.
Genome position (GRCh38, 1-based): chr2:178,534,618, C>T on the plus strand (G>A on the coding strand, the complement: TTN is on the minus strand). VCF-style: chr2-178534618-C-T. GRCh37 (hg19) VCF-style: chr2-179399345-C-T.
Other names: c.97074G>A, p.Trp32358Ter (NM_001256850.1); c.74802G>A, p.Trp24934Ter (NM_003319.4); c.94293G>A, p.Trp31431Ter (NM_133378.4); c.75177G>A, p.Trp25059Ter (NM_133432.3); c.75378G>A, p.Trp25126Ter (NM_133437.4); short protein forms W32358*, W24934*, W25059*, W25126*, W31431*, W33999*.
Identifiers: ClinVar variation 2566407 (VCV002566407.3), dbSNP rs764821435, ClinGen allele CA349418600.

ClinVar aggregate classification (germline): Conflicting classifications of pathogenicity. Review status: criteria provided, conflicting classifications (1 of 4 stars). 2 submissions from 2 submitters: Likely pathogenic (1); Uncertain significance (1). Last evaluated 2025-09-11.

Conditions:
Dilated cardiomyopathy 1G (CMD1G). Identifiers: Orphanet 154, MedGen C1858763, MONDO:0011400, OMIM 604145.
Cardiovascular phenotype. Identifiers: MedGen CN230736.

gnomAD v4.1: 1 of 1,613,746 alleles (0.000062%); highest among the groups gnomAD compares: Non-Finnish European, 0.000085%; no homozygotes.

Submissions (2):

3billion
Classification: Uncertain significance for Dilated cardiomyopathy 1G. Last evaluated: 2025-09-11. Review status: criteria provided, single submitter. Criteria: ACMG Guidelines, 2015. Collection method: clinical testing. Allele origin: germline. Affected: yes.
Comment: The variant is observed at an extremely low frequency in the gnomAD v4.1.0 dataset (total allele frequency: <0.001%). Predicted Consequence/Location: Stop-gained (nonsense): predicted to result in a loss or disruption of normal protein function through nonsense-mediated decay (NMD) or protein truncation. Multiple pathogenic variants are reported downstream of the variant. The variant has been reported to be associated with TTN-related disorder (ClinVar ID: VCV002566407). However, the evidence of pathogenicity is insufficient at this time. Therefore, this variant is classified as VUS according to the recommendation of ACMG/AMP guideline.

Ambry Genetics
Classification: Likely pathogenic for Cardiovascular phenotype. Last evaluated: 2023-05-17. Review status: criteria provided, single submitter. Criteria: Ambry Variant Classification Scheme 2023. Collection method: clinical testing. Allele origin: germline.
Comment: The p.W24934* variant (also known as c.74802G>A), located in coding exon 185 of the TTN gene, results from a G to A substitution at nucleotide position 74802. This changes the amino acid from a tryptophan to a stop codon within coding exon 185. This exon is located in the M-band region of the N2-B isoform of the titin protein and is constitutively expressed in TTN transcripts (percent spliced in or PSI 100%). This variant (referred to as c.101996G>A p.Trp33999X) has been detected in an individual from a dilated cardiomyopathy (DCM) cohort (Roberts AM et al. Sci Transl Med, 2015 Jan;7:270ra6). This variant is considered to be rare based on population cohorts in the Genome Aggregation Database (gnomAD). This alteration is expected to result in loss of function by premature protein truncation or nonsense-mediated mRNA decay. While truncating variants in TTN are present in 1-3% of the general population, truncating variants in the M-band have been reported in association with autosomal recessive titinopathies, primarily presenting with skeletal myopathy phenotypes (Ceyhan-Birsoy O et al. Neurology. 2013 Oct 1;81(14):1205-14; De Cid R et al. Neurology. 2015;85(24):2126-35). In addition, regardless of their position, TTN truncating variants encoded in constitutive exons (PSI >90%) have been found to be significantly associated with DCM, though truncating variants in the A-band are the most common cause of DCM (Herman DS et al. N. Engl. J. Med., 2012 Feb;366:619-28; Roberts AM et al. Sci Transl Med, 2015 Jan;7:270ra6; Schafer S et al. Nat. Genet., 2017 01;49:46-53). Based on the majority of available evidence to date, this variant is likely to be pathogenic in association with autosomal recessive titinopathy; however, the clinical significance of this alteration with respect to cardiomyopathy remains unclear.

Literature cited by the submitters: PubMed 25589632 (cited by Ambry Genetics).